The following is an entry in ClinVar:

ClinVar aggregate classification (germline): Conflicting classifications of pathogenicity. Review status: criteria provided, conflicting classifications (1 of 4 stars). 3 submissions from 3 submitters: Uncertain significance (2); Likely benign (1). Last evaluated 2025-02-19.

Conditions:
Inborn genetic diseases. Identifiers: MedGen C0950123, MeSH D030342.
Developmental and epileptic encephalopathy, 5 (DEE5). Identifiers: Orphanet 3451, MedGen C3150731, MONDO:0013277, OMIM 613477.
Early-infantile DEE. Also called: Early infantile epileptic encephalopathy with suppression bursts; Early infantile epileptic encephalopathy; Ohtahara syndrome. Identifiers: Orphanet 1934, MedGen C0393706, MONDO:0800491.

Allele frequency attached by ClinVar (database versions not stated): TOPMed 0.00004.
gnomAD v4.1: 2 of 1,614,184 alleles (0.00012%); highest among the groups gnomAD compares: Admixed American, 0.0033%; no homozygotes.

Submissions (3):

Labcorp Genetics (formerly Invitae), Labcorp
Classification: Likely benign for Early-infantile DEE. Last evaluated: 2025-02-19. Review status: criteria provided, single submitter. Criteria: Invitae Variant Classification Sherloc (09022015). Collection method: clinical testing. Allele origin: germline.

Genome-Nilou Lab
Classification: Uncertain significance for Developmental and epileptic encephalopathy, 5. Last evaluated: 2021-07-15. Review status: criteria provided, single submitter. Criteria: ACMG Guidelines, 2015. Collection method: clinical testing. Allele origin: germline. Affected: no.

Ambry Genetics
Classification: Uncertain significance for Inborn genetic diseases. Last evaluated: 2016-06-24. Review status: criteria provided, single submitter. Criteria: Ambry Variant Classification Scheme 2023. Collection method: clinical testing. Allele origin: germline.
Comment: The p.G1515C variant (also known as c.4543G>T), located in coding exon 34 of the SPTAN1 gene, results from a G to T substitution at nucleotide position 4543. The glycine at codon 1515 is replaced by cysteine, an amino acid with highly dissimilar properties. This variant was not reported in population based cohorts in the following databases: Database of Single Nucleotide Polymorphisms (dbSNP), NHLBI Exome Sequencing Project (ESP), and 1000 Genomes Project. In the ESP, this variant was not observed in 6503 samples (13006 alleles) with coverage at this position. This amino acid position is not well conserved in available vertebrate species. In addition, this alteration is predicted to be tolerated by in silico analysis. Since supporting evidence is limited at this time, the clinical significance of this alteration remains unclear.

NM_001130438.3(SPTAN1):c.4543G>T (p.Gly1515Cys)

Gene: SPTAN1 (spectrin alpha, non-erythrocytic 1; plus strand). Cytogenetic location: 9q34.11.
Variant type: single nucleotide variant.
Coding change: c.4543G>T on transcript NM_001130438.3 (MANE Select); coding-DNA position 4543, G replaced by T.
Protein change: p.Gly1515Cys; replaces glycine 1515 with cysteine.
Molecular consequence: missense variant.
Genome position (GRCh38, 1-based): chr9:128,608,925, G>T. VCF-style: chr9-128608925-G-T. GRCh37 (hg19) VCF-style: chr9-131371204-G-T.
Other names: c.4483G>T, p.Gly1495Cys (NM_001195532.2, NM_001363765.2); c.4543G>T, p.Gly1515Cys (NM_001363759.2, NM_003127.4); short protein forms G1515C, G1495C.
Identifiers: ClinVar variation 461226 (VCV000461226.16), dbSNP rs149899658, ClinGen allele CA5265211.